The following is an entry in ClinVar:

NM_003238.6(TGFB2):c.1002G>T (p.Trp334Cys)

Gene: TGFB2 (transforming growth factor beta 2; plus strand). Cytogenetic location: 1q41.
Variant type: single nucleotide variant.
Coding change: c.1002G>T on transcript NM_003238.6 (MANE Select); coding-DNA position 1002, G replaced by T.
Protein change: p.Trp334Cys; replaces tryptophan 334 with cysteine.
Molecular consequence: missense variant. On other transcripts: non-coding transcript variant (2).
Genome position (GRCh38, 1-based): chr1:218,437,412, G>T. VCF-style: chr1-218437412-G-T. GRCh37 (hg19) VCF-style: chr1-218610754-G-T.
Other names: c.1086G>T, p.Trp362Cys (NM_001135599.4); short protein forms W334C, W362C.
Identifiers: ClinVar variation 3363804 (VCV003363804.1).

ClinVar aggregate classification (germline): Uncertain significance (1 of 4 stars; one submission).

Submission:

GeneDx
Classification: Uncertain significance. Last evaluated: 2023-11-07. Review status: criteria provided, single submitter. Criteria: GeneDx Variant Classification Process June 2021. Collection method: clinical testing. Allele origin: germline. Affected: yes.
Comment: Not observed at significant frequency in large population cohorts (gnomAD); In silico analysis supports that this missense variant has a deleterious effect on protein structure/function; Has not been previously published as pathogenic or benign to our knowledge